The following is an entry in ClinVar:

ClinVar aggregate classification (germline): Uncertain significance (1 of 4 stars; one submission).

Conditions:
Chromosome 2q32-q33 deletion syndrome (GLASS). Also called: Glass syndrome; 2q33.1 deletion syndrome. Identifiers: Orphanet 251019, MedGen C2676739, MONDO:0012864, OMIM 612313.

Submission:

Labcorp Genetics (formerly Invitae), Labcorp
Classification: Uncertain significance for Chromosome 2q32-q33 deletion syndrome. Last evaluated: 2022-01-21. Review status: criteria provided, single submitter. Criteria: Invitae Variant Classification Sherloc (09022015). Collection method: clinical testing. Allele origin: germline.
Comment: This sequence change replaces serine, which is neutral and polar, with phenylalanine, which is neutral and non-polar, at codon 361 of the SATB2 protein (p.Ser361Phe). In summary, the available evidence is currently insufficient to determine the role of this variant in disease. Therefore, it has been classified as a Variant of Uncertain Significance. Advanced modeling of protein sequence and biophysical properties (such as structural, functional, and spatial information, amino acid conservation, physicochemical variation, residue mobility, and thermodynamic stability) performed at Invitae indicates that this missense variant is expected to disrupt SATB2 protein function. This variant has not been reported in the literature in individuals affected with SATB2-related conditions. This variant is not present in population databases (gnomAD no frequency).

NM_001172509.2(SATB2):c.1082C>T (p.Ser361Phe)

Gene: SATB2 (SATB homeobox 2; minus strand). Cytogenetic location: 2q33.1.
Variant type: single nucleotide variant.
Coding change: c.1082C>T on transcript NM_001172509.2 (MANE Select); coding-DNA position 1082, C replaced by T.
Protein change: p.Ser361Phe; replaces serine 361 with phenylalanine.
Molecular consequence: missense variant.
Genome position (GRCh38, 1-based): chr2:199,348,792, G>A on the plus strand (C>T on the coding strand, the complement: SATB2 is on the minus strand). VCF-style: chr2-199348792-G-A. GRCh37 (hg19) VCF-style: chr2-200213515-G-A.
Other names: c.1082C>T, p.Ser361Phe (NM_001172517.1, NM_015265.4); short protein forms S361F.
Identifiers: ClinVar variation 2088646 (VCV002088646.4), dbSNP rs2468896586, ClinGen allele CA350387309.